The following is an entry in ClinVar:

NM_000282.4(PCCA):c.505_506del (p.His169fs)

Gene: PCCA (propionyl-CoA carboxylase subunit alpha; plus strand). Cytogenetic location: 13q32.3.
Variant type: Microsatellite.
Coding change: c.505_506del on transcript NM_000282.4 (MANE Select); coding-DNA positions 505 to 506, 2 bases deleted (CA; older notation c.505_506delCA).
Protein change: p.His169fs; shifts the reading frame from histidine 169.
Molecular consequence: frameshift variant. On other transcripts: 5 prime UTR variant (3), non-coding transcript variant (5).
Genome position (GRCh38, 1-based): chr13:100,209,368-100,209,369, CA deleted; deleting any 2 consecutive bases within chr13:100,209,363-100,209,369 gives the same sequence; the c. name uses the placement nearest the transcript's 3' end. VCF-style (leftmost placement, unchanged base first): chr13-100209362-GAC-G. GRCh37 (hg19) VCF-style: chr13-100861616-GAC-G.
Other names: c.427_428del, p.His143fs (NM_001127692.3, NM_001352607.2, NM_001352608.2); c.505_506del, p.His169fs (NM_001178004.2, NM_001352605.2, NM_001352606.2 and 1 more transcripts); c.-366CA[2] (NM_001352610.2, NM_001352611.2, NM_001352612.2); short protein forms H143fs, H169fs.
Identifiers: ClinVar variation 1409579 (VCV001409579.7), dbSNP rs2152478652, ClinGen allele CA2580614755.
Genomic context (GRCh38, chr13:100,209,362, plus strand): 5'-TTATAAATTTTGACTTGTTTTTCTCCACAGGCAGCAGAAGATGTCGTTTTCATTGGACCT[GAC>G]ACACATGCTATTCAAGCCATGGGCGACAAGATTGAAAGCAAATTATTAGCTAAGAAAGCA-3'

ClinVar aggregate classification (germline): Pathogenic. Review status: criteria provided, multiple submitters, no conflicts (2 of 4 stars). 2 submissions from 2 submitters: Pathogenic (2). Last evaluated 2025-08-06.

Conditions:
Propionic acidemia (PROP). Also called: GLYCINEMIA, KETOTIC; HYPERGLYCINEMIA WITH KETOACIDOSIS AND LEUKOPENIA; KETOTIC HYPERGLYCINEMIA. Identifiers: Orphanet 35, MedGen C0268579, MONDO:0011628, OMIM 606054, HP:0003571.

Submissions (2):

Myriad Genetics, Inc.
Classification: Pathogenic for Propionic acidemia. Last evaluated: 2025-08-06. Review status: criteria provided, single submitter. Criteria: Myriad Autosomal Dominant, Autosomal Recessive and X-Linked Classification Criteria (2023). Collection method: clinical testing. Allele origin: unknown.
Comment: NM_000282.3(PCCA):c.505_506delCA(H169Cfs*10) is expected to be pathogenic in the context of PCCA-related propionic acidemia. This variant is predicted to lead to an abnormal or absent protein product due to the creation of a premature termination codon in PCCA, a gene where loss-of-function variants are known to be pathogenic. Please note: this variant was assessed in the context of healthy population screening.

Labcorp Genetics (formerly Invitae), Labcorp
Classification: Pathogenic for Propionic acidemia. Last evaluated: 2021-03-28. Review status: criteria provided, single submitter. Criteria: Invitae Variant Classification Sherloc (09022015). Collection method: clinical testing. Allele origin: germline.
Comment: This sequence change creates a premature translational stop signal (p.His169Cysfs*10) in the PCCA gene. It is expected to result in an absent or disrupted protein product. Loss-of-function variants in PCCA are known to be pathogenic (PMID: 15464417). For these reasons, this variant has been classified as Pathogenic. This variant has not been reported in the literature in individuals with PCCA-related conditions. This variant is not present in population databases (ExAC no frequency).

Literature cited by the submitters: PubMed 15464417 (cited by Labcorp Genetics (formerly Invitae), Labcorp).